The following is an entry in ClinVar:

NM_015559.3(SETBP1):c.176_191dup (p.Gly64_Ser65insGlyGlyTer)

Gene: SETBP1 (SET binding protein 1; plus strand). Cytogenetic location: 18q12.3.
Variant type: Duplication.
Coding change: c.176_191dup on transcript NM_015559.3 (MANE Select); coding-DNA positions 176 to 191, 16 bases duplicated (AGGAGGATGAACTAGG).
Protein change: p.Gly64_Ser65insGlyGlyTer.
Molecular consequence: nonsense, inframe insertion.
Genome position (GRCh38, 1-based): chr18:44,701,522-44,701,537, AGGAGGATGAACTAGG duplicated; duplicating any 16 consecutive bases within chr18:44,701,519-44,701,537 gives the same sequence; the c. name uses the placement nearest the transcript's 3' end. VCF-style (leftmost placement, unchanged base first): chr18-44701518-G-GAGGAGGAGGATGAACT. GRCh37 (hg19) VCF-style: chr18-42281483-G-GAGGAGGAGGATGAACT.
Other names: c.176_191dup, p.Gly64_Ser65insGlyGlyTer (NM_001130110.2, NM_001379141.1, NM_001379142.1 and 1 more transcripts).
Identifiers: ClinVar variation 2502526 (VCV002502526.1), dbSNP rs2511332601, ClinGen allele CA2580612982.

ClinVar aggregate classification (germline): Pathogenic (1 of 4 stars; one submission).

Submission:

GeneDx
Classification: Pathogenic. Last evaluated: 2022-11-17. Review status: criteria provided, single submitter. Criteria: GeneDx Variant Classification Process June 2021. Collection method: clinical testing. Allele origin: germline. Affected: yes.
Comment: Frameshift variant predicted to result in protein truncation or nonsense mediated decay in a gene for which loss of function is a known mechanism of disease; Not observed at significant frequency in large population cohorts (gnomAD); Has not been previously published as pathogenic or benign to our knowledge